The following is an entry in ClinVar:

NM_016507.4(CDK12):c.143A>G (p.Lys48Arg)

Genes: CDK12 (cyclin dependent kinase 12; plus strand), LOC126862553 (CDK7 strongly-dependent group 2 enhancer GRCh37_chr17:37618166-37619365; plus strand). Cytogenetic location: 17q12.
Variant type: single nucleotide variant.
Coding change: c.143A>G on transcript NM_016507.4 (MANE Select); coding-DNA position 143, A replaced by G.
Protein change: p.Lys48Arg; replaces lysine 48 with arginine.
Molecular consequence: missense variant.
Genome position (GRCh38, 1-based): chr17:39,462,214, A>G. VCF-style: chr17-39462214-A-G. GRCh37 (hg19) VCF-style: chr17-37618467-A-G.
Other names: c.143A>G, p.Lys48Arg (NM_015083.4); short protein forms K48R.
Identifiers: ClinVar variation 3489264 (VCV003489264.1).
Genomic context (GRCh38, chr17:39,462,214, plus strand): 5'-GCAGCTCTAACAGCAGAGAGCGTCACCGCTTGGTATCGAAGCACAAGCGGCATAAGTCCA[A>G]ACACTCCAAAGACATGGGGTTGGTGACCCCCGAAGCAGCATCCCTGGGCACAGTTATCAA-3'
Protein context (NP_057591.2, residues 38-58): LVSKHKRHKS[Lys48Arg]HSKDMGLVTP

ClinVar aggregate classification (germline): Uncertain significance (1 of 4 stars; one submission).

gnomAD v4.1: 21 of 1,614,212 alleles (0.0013%); highest among the groups gnomAD compares: South Asian, 0.021%; no homozygotes.

Submission:

Ambry Genetics
Classification: Uncertain significance. Last evaluated: 2024-11-23. Review status: criteria provided, single submitter. Criteria: Ambry Variant Classification Scheme 2023. Collection method: clinical testing. Allele origin: germline.
Comment: The p.K48R variant (also known as c.143A>G), located in coding exon 1 of the CDK12 gene, results from an A to G substitution at nucleotide position 143. The lysine at codon 48 is replaced by arginine, an amino acid with highly similar properties. This amino acid position is conserved. In addition, this alteration is predicted to be tolerated by in silico analysis. Based on the available evidence, the clinical significance of this variant remains unclear.